The following is an entry in ClinVar:

NM_000292.3(PHKA2):c.1041+10T>C

Gene: PHKA2 (phosphorylase kinase regulatory subunit alpha 2; minus strand). Cytogenetic location: Xp22.13.
Variant type: single nucleotide variant.
Coding change: c.1041+10T>C on transcript NM_000292.3 (MANE Select); 10 bases into the intron after coding-DNA position 1041, T replaced by C.
Molecular consequence: intron variant.
Genome position (GRCh38, 1-based): chrX:18,938,617, A>G on the plus strand (T>C on the coding strand, the complement: PHKA2 is on the minus strand). VCF-style: chrX-18938617-A-G. GRCh37 (hg19) VCF-style: chrX-18956735-A-G.
Identifiers: ClinVar variation 385022 (VCV000385022.2), dbSNP rs1057522099, ClinGen allele CA16608803.
Genomic context (GRCh38, chrX:18,938,617, plus strand): 5'-TGTTCTAATAATAATCAGTATACCAGTGGAATGAAAATAATTATCAACGTAACACCCAGC[A>G]TTTTCTCACCTGAACAGCATCACCACTGAAGACTCCATCTATTATAAAATATGTCCAAAA-3'

ClinVar aggregate classification (germline): Likely benign. Review status: criteria provided, multiple submitters, no conflicts (2 of 4 stars). 2 submissions from 2 submitters: Likely benign (2). Last evaluated 2026-01-20.

Conditions:
Glycogen storage disease IXa1. Also called: GLYCOGEN STORAGE DISEASE VIII; GSD VIII; Glycogen storage disease 8; LIVER GLYCOGENOSIS, X-LINKED, TYPE I. Identifiers: Orphanet 264580, MedGen C3694531, MONDO:0010598, OMIM 306000.

Allele frequency attached by ClinVar (database versions not stated): gnomAD exomes below 0.00001.
gnomAD v4.1: 3 of 1,202,640 alleles (0.00025%); highest among the groups gnomAD compares: Non-Finnish European, 0.00034%; no homozygotes.

Submissions (2):

Labcorp Genetics (formerly Invitae), Labcorp
Classification: Likely benign for Glycogen storage disease IXa1. Last evaluated: 2026-01-20. Review status: criteria provided, single submitter. Criteria: Invitae Variant Classification Sherloc (09022015). Collection method: clinical testing. Allele origin: germline.

GeneDx
Classification: Likely benign. Last evaluated: 2016-04-15. Review status: criteria provided, single submitter. Criteria: GeneDx Variant Classification (06012015). Collection method: clinical testing. Allele origin: germline. Affected: yes.
Comment: This variant is considered likely benign or benign based on one or more of the following criteria: it is a conservative change, it occurs at a poorly conserved position in the protein, it is predicted to be benign by multiple in silico algorithms, and/or has population frequency not consistent with disease.